The following is an entry in ClinVar:

NM_025009.5(CEP135):c.2131_2134dup (p.Asn712fs)

Gene: CEP135 (centrosomal protein 135; plus strand). Cytogenetic location: 4q12.
Variant type: Duplication.
Coding change: c.2131_2134dup on transcript NM_025009.5 (MANE Select); coding-DNA positions 2131 to 2134, 4 bases duplicated (CTAA; older notation c.2131_2134dupCTAA).
Protein change: p.Asn712fs; shifts the reading frame from asparagine 712.
Molecular consequence: frameshift variant.
Genome position (GRCh38, 1-based): chr4:55,999,496-55,999,499, CTAA duplicated; duplicating any 4 consecutive bases within chr4:55,999,494-55,999,499 gives the same sequence; the c. name uses the placement nearest the transcript's 3' end. VCF-style (leftmost placement, unchanged base first): chr4-55999493-G-GAACT. GRCh37 (hg19) VCF-style: chr4-56865659-G-GAACT.
Other names: short protein forms N712fs.
Identifiers: ClinVar variation 1455882 (VCV001455882.6), dbSNP rs1317891493, ClinGen allele CA551652249.

ClinVar aggregate classification (germline): Pathogenic (1 of 4 stars; one submission).

Submission:

Labcorp Genetics (formerly Invitae), Labcorp
Classification: Pathogenic. Last evaluated: 2021-06-12. Review status: criteria provided, single submitter. Criteria: Invitae Variant Classification Sherloc (09022015). Collection method: clinical testing. Allele origin: germline.
Comment: For these reasons, this variant has been classified as Pathogenic. This variant has not been reported in the literature in individuals with CEP135-related conditions. This variant is not present in population databases (ExAC no frequency). This sequence change creates a premature translational stop signal (p.Asn712Thrfs*4) in the CEP135 gene. It is expected to result in an absent or disrupted protein product. Loss-of-function variants in CEP135 are known to be pathogenic (PMID: 22521416, 26657937).

Literature cited by the submitters: PubMed 22521416; PubMed 26657937.